The following is an entry in ClinVar:

NM_001122769.3(LCA5):c.166del (p.Ser56fs)

Gene: LCA5 (lebercilin LCA5; minus strand). Cytogenetic location: 6q14.1.
Variant type: Deletion.
Coding change: c.166del on transcript NM_001122769.3 (MANE Select); coding-DNA position 166, one base deleted (T; older notation c.166delT).
Protein change: p.Ser56fs; shifts the reading frame from serine 56.
Molecular consequence: frameshift variant.
Genome position (GRCh38, 1-based): chr6:79,518,729, A deleted on the plus strand (T on the coding strand, the reverse complement: LCA5 is on the minus strand); the first of 2 consecutive A bases (chr6:79,518,729-79,518,730); deleting either gives the same sequence. VCF-style (leftmost placement, unchanged base first): chr6-79518728-GA-G. GRCh37 (hg19) VCF-style: chr6-80228445-GA-G.
Other names: c.166del, p.Ser56fs (NM_181714.4); short protein forms S56fs.
Identifiers: ClinVar variation 1452766 (VCV001452766.6), dbSNP rs1203370819, ClinGen allele CA568599273.
Genomic context (GRCh38, chr6:79,518,728, plus strand): 5'-CTTCTAGGTCCACCAGACTCTTTTAAAGAATGCTTACCTTGGTGATGTACTTGGCCATCT[GA>G]AGTTTGTCTTTTAGGATTTTTTCTCCTAACACTTGCAGGTGAAGAACTGACCAGCGATGA-3'

ClinVar aggregate classification (germline): Pathogenic (1 of 4 stars; one submission).

Submission:

Labcorp Genetics (formerly Invitae), Labcorp
Classification: Pathogenic. Last evaluated: 2024-11-18. Review status: criteria provided, single submitter. Criteria: Invitae Variant Classification Sherloc (09022015). Collection method: clinical testing. Allele origin: germline.
Comment: This sequence change creates a premature translational stop signal (p.Ser56Glnfs*55) in the LCA5 gene. It is expected to result in an absent or disrupted protein product. Loss-of-function variants in LCA5 are known to be pathogenic (PMID: 17546029, 23946133). This variant is present in population databases (no rsID available, gnomAD 0.0009%). This variant has not been reported in the literature in individuals affected with LCA5-related conditions. ClinVar contains an entry for this variant (Variation ID: 1452766). For these reasons, this variant has been classified as Pathogenic.

Literature cited by the submitters: PubMed 17546029; PubMed 23946133.